The following is an entry in ClinVar:

NM_000393.5(COL5A2):c.749C>T (p.Pro250Leu)

Gene: COL5A2 (collagen type V alpha 2 chain; minus strand). Cytogenetic location: 2q32.2.
Variant type: single nucleotide variant.
Coding change: c.749C>T on transcript NM_000393.5 (MANE Select); coding-DNA position 749, C replaced by T.
Protein change: p.Pro250Leu; replaces proline 250 with leucine.
Molecular consequence: missense variant.
Genome position (GRCh38, 1-based): chr2:189,085,209, G>A on the plus strand (C>T on the coding strand, the complement: COL5A2 is on the minus strand). VCF-style: chr2-189085209-G-A. GRCh37 (hg19) VCF-style: chr2-189949935-G-A.
Other names: c.749C>T (NM_000393.4); short protein forms P250L.
Identifiers: ClinVar variation 993416 (VCV000993416.22), dbSNP rs556805686, ClinGen allele CA2022962.

ClinVar aggregate classification (germline): Conflicting classifications of pathogenicity. Review status: criteria provided, conflicting classifications (1 of 4 stars). 6 submissions from 6 submitters: Uncertain significance (2); Likely benign (3). 1 of the submissions does not count toward it. Last evaluated 2026-05-04.

Conditions:
COL5A2-related disorder. Also called: COL5A2-related condition.
Ehlers-Danlos syndrome, classic type, 2 (EDSCL2). Also called: Ehlers-Danlos Syndrome, Classic Type, COL5A2-Related; Ehlers-Danlos syndrome, type 2; Ehlers-Danlos syndrome type 2 (formerly). Identifiers: Orphanet 287, Orphanet 90318, MedGen C0268336, MONDO:0019568, OMIM 130010.
Familial thoracic aortic aneurysm and aortic dissection (TAAD). Also called: Thoracic aortic aneurysms and dissections. Identifiers: Orphanet 91387, MedGen C4707243, MONDO:0019625.
Ehlers-Danlos syndrome, classic type, 1 (EDSCL1). Also called: Ehlers-Danlos Syndrome, Classic Type, COL5A1-Related; Ehlers-Danlos syndrome, type 1; EDS I; EHLERS-DANLOS SYNDROME, GRAVIS TYPE; EHLERS-DANLOS SYNDROME, SEVERE CLASSIC TYPE. Identifiers: MedGen C0268335, MONDO:0019567, OMIM 130000.
Ehlers-Danlos syndrome (EDS). Identifiers: Orphanet 98249, MedGen C0013720, MONDO:0020066.

Allele frequency attached by ClinVar (database versions not stated): 1000 Genomes Project 0.00080; gnomAD exomes 0.00005 and 0.00009; gnomAD below 0.00001 and 0.00003; ExAC 0.00015; 1000 Genomes Project 30x 0.00062.

Submissions (6):

GeneDx
Classification: Uncertain significance. Last evaluated: 2026-05-04. Review status: criteria provided, single submitter. Criteria: GeneDx Variant Classification Process June 2021. Collection method: clinical testing. Allele origin: germline.
Comment: In silico analysis supports that this missense variant has a deleterious effect on protein structure/function; Has not been previously published as pathogenic or benign to our knowledge

Ambry Genetics
Classification: Likely benign for Familial thoracic aortic aneurysm and aortic dissection. Last evaluated: 2025-12-19. Review status: criteria provided, single submitter. Criteria: Ambry Variant Classification Scheme 2023. Collection method: clinical testing. Allele origin: germline.

Labcorp Genetics (formerly Invitae), Labcorp
Classification: Likely benign for Ehlers-Danlos syndrome, classic type, 1. Last evaluated: 2025-12-15. Review status: criteria provided, single submitter. Criteria: Invitae Variant Classification Sherloc (09022015). Collection method: clinical testing. Allele origin: germline.

Genome Diagnostics Laboratory, The Hospital for Sick Children
Classification: Likely benign for Ehlers-Danlos syndrome. Last evaluated: 2021-09-07. Review status: criteria provided, single submitter. Criteria: ACMG Guidelines, 2015. Collection method: clinical testing. Allele origin: germline.

ARUP Laboratories, Molecular Genetics and Genomics, ARUP Laboratories
Classification: Uncertain significance for Ehlers-Danlos syndrome, classic type, 2. Last evaluated: 2020-01-06. Review status: criteria provided, single submitter. Criteria: ARUP Molecular Germline Variant Investigation Process. Collection method: clinical testing. Allele origin: germline.
Comment: The COL5A2 c.749C>T; p.Pro250Leu variant (rs556805686), to our knowledge, is not reported in the medical literature or gene specific databases. This variant is found in the general population with an overall allele frequency of 0.0094% (23/245866 alleles) in the Genome Aggregation Database. The proline at codon 250 is highly conserved, and computational analyses (SIFT: tolerated, PolyPhen-2: probably damaging) predict conflicting effects of this variant on protein structure/function. Due to limited information, the clinical significance of the p.Pro250Leu variant is uncertain at this time.

PreventionGenetics, part of Exact Sciences
Classification: Likely benign for COL5A2-related condition. Last evaluated: 2024-07-31. Review status: no assertion criteria provided. Collection method: clinical testing. Allele origin: germline. Not counted in ClinVar's aggregate classification.
Comment: This variant is classified as likely benign based on ACMG/AMP sequence variant interpretation guidelines (Richards et al. 2015 PMID: 25741868, with internal and published modifications).